The following is an entry in ClinVar:

ClinVar aggregate classification (germline): Likely benign. Review status: criteria provided, single submitter (1 of 4 stars). 2 submissions from 2 submitters: Likely benign (1). 1 of the submissions does not count toward it. Last evaluated 2025-10-21.

Conditions:
WNT4-related disorder. Also called: WNT4-related condition.

Allele frequency attached by ClinVar (database versions not stated): TOPMed 0.00012; gnomAD 0.00013; ESP Exome Variant Server 0.00023; ExAC 0.00027.
gnomAD v4.1: 220 of 1,614,112 alleles (0.014%); highest among the groups gnomAD compares: Non-Finnish European, 0.0024%; no homozygotes.

Submissions (2):

Labcorp Genetics (formerly Invitae), Labcorp
Classification: Likely benign. Last evaluated: 2025-10-21. Review status: criteria provided, single submitter. Criteria: Invitae Variant Classification Sherloc (09022015). Collection method: clinical testing. Allele origin: germline.

PreventionGenetics, part of Exact Sciences
Classification: Likely benign for WNT4-related condition. Last evaluated: 2020-07-14. Review status: no assertion criteria provided. Collection method: clinical testing. Allele origin: germline. Not counted in ClinVar's aggregate classification.
Comment: This variant is classified as likely benign based on ACMG/AMP sequence variant interpretation guidelines (Richards et al. 2015 PMID: 25741868, with internal and published modifications).

NM_030761.5(WNT4):c.801T>A (p.Asp267Glu)

Gene: WNT4 (Wnt family member 4; minus strand). Cytogenetic location: 1p36.12.
Variant type: single nucleotide variant.
Coding change: c.801T>A on transcript NM_030761.5 (MANE Select); coding-DNA position 801, T replaced by A.
Protein change: p.Asp267Glu; replaces aspartic acid 267 with glutamic acid.
Molecular consequence: missense variant.
Genome position (GRCh38, 1-based): chr1:22,120,305, A>T on the plus strand (T>A on the coding strand, the complement: WNT4 is on the minus strand). VCF-style: chr1-22120305-A-T. GRCh37 (hg19) VCF-style: chr1-22446798-A-T.
Other names: c.801T>A (NM_030761.4); short protein forms D267E.
Identifiers: ClinVar variation 2043091 (VCV002043091.6), dbSNP rs201963772, ClinGen allele CA675271.